The following is an entry in ClinVar:

NM_000744.7(CHRNA4):c.1385A>C (p.Lys462Thr)

Gene: CHRNA4 (cholinergic receptor nicotinic alpha 4 subunit; minus strand). Cytogenetic location: 20q13.33.
Variant type: single nucleotide variant.
Coding change: c.1385A>C on transcript NM_000744.7 (MANE Select); coding-DNA position 1385, A replaced by C.
Protein change: p.Lys462Thr; replaces lysine 462 with threonine.
Molecular consequence: missense variant. On other transcripts: non-coding transcript variant (1).
Genome position (GRCh38, 1-based): chr20:63,350,026, T>G on the plus strand (A>C on the coding strand, the complement: CHRNA4 is on the minus strand). VCF-style: chr20-63350026-T-G. GRCh37 (hg19) VCF-style: chr20-61981378-T-G.
Other names: c.857A>C, p.Lys286Thr (NM_001256573.2); short protein forms K462T, K286T.
Identifiers: ClinVar variation 582404 (VCV000582404.9), dbSNP rs1568808487, ClinGen allele CA409633746.

ClinVar aggregate classification (germline): Uncertain significance (1 of 4 stars; one submission).

Conditions:
Familial sleep-related hypermotor epilepsy. Also called: Autosomal Dominant Sleep-Related Hypermotor (Hyperkinetic) Epilepsy. Identifiers: Orphanet 98784, MedGen C3696898, MONDO:0000030.

Allele frequency attached by ClinVar (database versions not stated): gnomAD exomes below 0.00001.
gnomAD v4.1: 2 of 1,523,884 alleles (0.00013%); highest among the groups gnomAD compares: Admixed American, 0.0021%; no homozygotes.

Submission:

Labcorp Genetics (formerly Invitae), Labcorp
Classification: Uncertain significance. Last evaluated: 2024-10-16. Review status: criteria provided, single submitter. Criteria: Invitae Variant Classification Sherloc (09022015). Collection method: clinical testing. Allele origin: germline.
Comment: This sequence change replaces lysine, which is basic and polar, with threonine, which is neutral and polar, at codon 462 of the CHRNA4 protein (p.Lys462Thr). This variant is not present in population databases (gnomAD no frequency). This variant has not been reported in the literature in individuals affected with CHRNA4-related conditions. ClinVar contains an entry for this variant (Variation ID: 582404). Invitae Evidence Modeling of protein sequence and biophysical properties (such as structural, functional, and spatial information, amino acid conservation, physicochemical variation, residue mobility, and thermodynamic stability) indicates that this missense variant is not expected to disrupt CHRNA4 protein function with a negative predictive value of 80%. In summary, the available evidence is currently insufficient to determine the role of this variant in disease. Therefore, it has been classified as a Variant of Uncertain Significance.